The following is an entry in ClinVar:

NM_145054.5(CFAP52):c.1219C>T (p.Arg407Ter)

Gene: CFAP52 (cilia and flagella associated protein 52; plus strand). Cytogenetic location: 17p13.1.
Variant type: single nucleotide variant.
Coding change: c.1219C>T on transcript NM_145054.5 (MANE Select); coding-DNA position 1219, C replaced by T.
Protein change: p.Arg407Ter; replaces arginine 407 with a stop codon.
Molecular consequence: nonsense.
Genome position (GRCh38, 1-based): chr17:9,632,932, C>T. VCF-style: chr17-9632932-C-T. GRCh37 (hg19) VCF-style: chr17-9536249-C-T.
Other names: c.1015C>T, p.Arg339Ter (NM_001080556.2); short protein forms R339*, R407*.
Identifiers: ClinVar variation 4540415 (VCV004540415.1).

ClinVar aggregate classification (germline): Likely pathogenic (1 of 4 stars; one submission).

Conditions:
Heterotaxy, visceral, 10, autosomal, with male infertility. Identifiers: MedGen C5562072, MONDO:0030474, OMIM 619607.

Submission:

MVZ Medizinische Genetik Mainz
Classification: Likely pathogenic for Heterotaxy, visceral, 10, autosomal, with male infertility. Last evaluated: 2025-11-17. Review status: criteria provided, single submitter. Criteria: UK Practice Guidelines For Variant Classification V4 01 2020. Collection method: clinical testing. Allele origin: germline. Inheritance: Autosomal recessive inheritance. Affected: yes. Observed: 1 variant allele.
Comment: ACMG Criteria: PVS1,PM2_SUP